The following is an entry in ClinVar:

NM_182972.3(IRF2BP2):c.878C>T (p.Ser293Phe)

Gene: IRF2BP2 (interferon regulatory factor 2 binding protein 2; minus strand). Cytogenetic location: 1q42.3.
Variant type: single nucleotide variant.
Coding change: c.878C>T on transcript NM_182972.3 (MANE Select); coding-DNA position 878, C replaced by T.
Protein change: p.Ser293Phe; replaces serine 293 with phenylalanine.
Molecular consequence: missense variant.
Genome position (GRCh38, 1-based): chr1:234,608,617, G>A on the plus strand (C>T on the coding strand, the complement: IRF2BP2 is on the minus strand). VCF-style: chr1-234608617-G-A. GRCh37 (hg19) VCF-style: chr1-234744363-G-A.
Other names: c.878C>T, p.Ser293Phe (NM_001077397.1); short protein forms S293F.
Identifiers: ClinVar variation 2714709 (VCV002714709.3), dbSNP rs763550403, ClinGen allele CA1461744.
Genomic context (GRCh38, chr1:234,608,617, plus strand): 5'-TGCAGCGCCAGCAGCGTGTCGCGCACGGTCTTGGGCCTGTTGACCCAGTCCTGCTCTCCA[G>A]ACCCGCGGCTCTTGCCCGCACCTTCCGCGCTCAGCTCGGCGGCCCCGGCCGCGGTGGACA-3'
Protein context (NP_892017.2, residues 283-303): SAEGAGKSRG[Ser293Phe]GEQDWVNRPK

ClinVar aggregate classification (germline): Uncertain significance (1 of 4 stars; one submission).

Allele frequency attached by ClinVar (database versions not stated): gnomAD 0.00001; ExAC 0.00002.
gnomAD v4.1: 2 of 1,579,174 alleles (0.00013%); highest among the groups gnomAD compares: Non-Finnish European, 0.00017%; no homozygotes.

Submission:

Labcorp Genetics (formerly Invitae), Labcorp
Classification: Uncertain significance. Last evaluated: 2023-07-17. Review status: criteria provided, single submitter. Criteria: Invitae Variant Classification Sherloc (09022015). Collection method: clinical testing. Allele origin: germline.
Comment: In summary, the available evidence is currently insufficient to determine the role of this variant in disease. Therefore, it has been classified as a Variant of Uncertain Significance. An algorithm developed to predict the effect of missense changes on protein structure and function (PolyPhen-2) suggests that this variant is likely to be tolerated. This variant has not been reported in the literature in individuals affected with IRF2BP2-related conditions. This variant is not present in population databases (gnomAD no frequency). This sequence change replaces serine, which is neutral and polar, with phenylalanine, which is neutral and non-polar, at codon 293 of the IRF2BP2 protein (p.Ser293Phe).